The following is an entry in ClinVar:

ClinVar aggregate classification (germline): Uncertain significance (0 of 4 stars; one submission).

Allele frequency attached by ClinVar (database versions not stated): gnomAD 0.00001 and 0.00027; TOPMed 0.00005; gnomAD exomes 0.00050 and 0.00097; ExAC 0.00121; 1000 Genomes Project 30x 0.00234; 1000 Genomes Project 0.00280.
gnomAD v4.1: 765 of 1,612,258 alleles (0.047%); highest among the groups gnomAD compares: South Asian, 0.69%; 16 homozygotes.

Submission:

Institute for Genetics of Heart Diseases,  University Hospital Muenster
Classification: Uncertain significance. Review status: no assertion criteria provided. Collection method: not provided. Allele origin: unknown.
ClinVar note: Converted during submission from unknown to Uncertain significance.

NM_031460.4(KCNK17):c.993C>T (p.Asp331=)

Gene: KCNK17 (potassium two pore domain channel subfamily K member 17; minus strand). Cytogenetic location: 6p21.2.
Variant type: single nucleotide variant.
Coding change: c.993C>T on transcript NM_031460.4 (MANE Select); coding-DNA position 993, C replaced by T.
Protein change: p.Asp331=; no amino-acid change (aspartic acid 331 retained).
Molecular consequence: synonymous variant. On other transcripts: 3 prime UTR variant (1).
Genome position (GRCh38, 1-based): chr6:39,299,433, G>A on the plus strand (C>T on the coding strand, the complement: KCNK17 is on the minus strand). VCF-style: chr6-39299433-G-A. GRCh37 (hg19) VCF-style: chr6-39267209-G-A.
Other names: c.*328C>T (NM_001135111.2).
Identifiers: ClinVar variation 132905 (VCV000132905.2), dbSNP rs483353015, ClinGen allele CA233366.
Genomic context (GRCh38, chr6:39,299,433, plus strand): 5'-GCTTAAAATCAGGGGTCTTGCTACCGAGGACGACGACCAAAGAATGGAGTATAACTAGCT[G>A]TCCTTGCCACAGCCTGCAGCGTGAGCAGAAGGTTCCAGATGCTGTATGATTCCCATGGGT-3'
Protein context (NP_113648.2, residues 321-332): PSAHAAGCGK[Asp331=]S